The following is an entry in ClinVar:

ClinVar aggregate classification (germline): Conflicting classifications of pathogenicity. Review status: criteria provided, conflicting classifications (1 of 4 stars). 2 submissions from 2 submitters: Uncertain significance (1); Benign (1). Last evaluated 2025-07-21.

gnomAD v4.1: 17 of 1,611,938 alleles (0.0011%); highest among the groups gnomAD compares: Admixed American, 0.018%; no homozygotes.

Submissions (2):

Labcorp Genetics (formerly Invitae), Labcorp
Classification: Benign. Last evaluated: 2025-07-21. Review status: criteria provided, single submitter. Criteria: Invitae Variant Classification Sherloc (09022015). Collection method: clinical testing. Allele origin: germline.

Women's Health and Genetics/Laboratory Corporation of America, LabCorp
Classification: Uncertain significance. Last evaluated: 2024-11-07. Review status: criteria provided, single submitter. Criteria: LabCorp Variant Classification Summary - May 2015. Collection method: clinical testing. Allele origin: germline.
Comment: Variant summary: AUTS2 c.188C>T (p.Pro63Leu) results in a non-conservative amino acid change in the encoded protein sequence. Three of five in-silico tools predict a damaging effect of the variant on protein function. The variant allele was found at a frequency of 4.5e-05 in 243398 control chromosomes. This frequency is not significantly higher than estimated for a pathogenic variant in AUTS2 causing Autism Spectrum Disorder Due To AUTS2 Deficiency, allowing no conclusion about variant significance. To our knowledge, no occurrence of c.188C>T in individuals affected with Autism Spectrum Disorder Due To AUTS2 Deficiency and no experimental evidence demonstrating its impact on protein function have been reported. ClinVar contains an entry for this variant (Variation ID: 2147952). Based on the evidence outlined above, the variant was classified as uncertain significance.

NM_015570.4(AUTS2):c.188C>T (p.Pro63Leu)

Gene: AUTS2 (activator of transcription and developmental regulator AUTS2; plus strand). Cytogenetic location: 7q11.22.
Variant type: single nucleotide variant.
Coding change: c.188C>T on transcript NM_015570.4 (MANE Select); coding-DNA position 188, C replaced by T.
Protein change: p.Pro63Leu; replaces proline 63 with leucine.
Molecular consequence: missense variant.
Genome position (GRCh38, 1-based): chr7:69,599,841, C>T. VCF-style: chr7-69599841-C-T. GRCh37 (hg19) VCF-style: chr7-69064827-C-T.
Other names: c.188C>T, p.Pro63Leu (NM_001127231.3, NM_001127232.3); short protein forms P63L.
Identifiers: ClinVar variation 2147952 (VCV002147952.5), dbSNP rs199945820, ClinGen allele CA4280249.
Genomic context (GRCh38, chr7:69,599,841, plus strand): 5'-CCCGGGCGCTCTCACTCGCCTCGTCGTCGGGCTCCGACAAGGAAGACAATGGGAAGCCCC[C>T]GTCCTCCGCCCCGTCCCGGCCCAGACCCCCGCGGAGGAAGCGGAGAGAGTCCACCTCGGC-3'
Protein context (NP_056385.1, residues 53-73): GSDKEDNGKP[Pro63Leu]SSAPSRPRPP